The following is an entry in ClinVar:

NM_006231.4(POLE):c.2332A>C (p.Lys778Gln)

Gene: POLE (DNA polymerase epsilon, catalytic subunit; minus strand). Cytogenetic location: 12q24.33.
Variant type: single nucleotide variant.
Coding change: c.2332A>C on transcript NM_006231.4 (MANE Select); coding-DNA position 2332, A replaced by C.
Protein change: p.Lys778Gln; replaces lysine 778 with glutamine.
Molecular consequence: missense variant.
Genome position (GRCh38, 1-based): chr12:132,665,438, T>G on the plus strand (A>C on the coding strand, the complement: POLE is on the minus strand). VCF-style: chr12-132665438-T-G. GRCh37 (hg19) VCF-style: chr12-133242024-T-G.
Other names: short protein forms K778Q.
Identifiers: ClinVar variation 540645 (VCV000540645.9), dbSNP rs1263904781, ClinGen allele CA387397979.
Genomic context (GRCh38, chr12:132,665,438, plus strand): 5'-CCATGTTCTTGCAGCGCTTCACCTCAGCCGCGTCGCCCACCTCCACGGCCGCCGAGAGCT[T>G]CTTTTTCCACACCTGAGAAGCACATGAACATGGAGCACCTCACAGATTCTTCCATTTCAC-3'
Protein context (NP_006222.2, residues 768-788): FKGLHKVWKK[Lys778Gln]LSAAVEVGDA

ClinVar aggregate classification (germline): Conflicting classifications of pathogenicity. Review status: criteria provided, conflicting classifications (1 of 4 stars). 2 submissions from 2 submitters: Uncertain significance (1); Likely benign (1). Last evaluated 2025-07-29.

Conditions:
Hereditary cancer-predisposing syndrome. Also called: Neoplastic Syndromes, Hereditary; Hereditary Cancer Syndrome; Hereditary neoplastic syndrome; Tumor predisposition. Identifiers: Orphanet 140162, MedGen C0027672, MeSH D009386, MONDO:0015356.

Allele frequency attached by ClinVar (database versions not stated): gnomAD exomes below 0.00001.
gnomAD v4.1: 6 of 1,610,994 alleles (0.00037%); highest among the groups gnomAD compares: Non-Finnish European, 0.00042%; no homozygotes.

Submissions (2):

Labcorp Genetics (formerly Invitae), Labcorp
Classification: Uncertain significance. Last evaluated: 2025-07-29. Review status: criteria provided, single submitter. Criteria: Invitae Variant Classification Sherloc (09022015). Collection method: clinical testing. Allele origin: germline.
Comment: This sequence change replaces lysine, which is basic and polar, with glutamine, which is neutral and polar, at codon 778 of the POLE protein (p.Lys778Gln). This variant is present in population databases (no rsID available, gnomAD no frequency). This variant has not been reported in the literature in individuals affected with POLE-related conditions. ClinVar contains an entry for this variant (Variation ID: 540645). Invitae Evidence Modeling of protein sequence and biophysical properties (such as structural, functional, and spatial information, amino acid conservation, physicochemical variation, residue mobility, and thermodynamic stability) indicates that this missense variant is not expected to disrupt POLE protein function with a negative predictive value of 80%. In summary, the available evidence is currently insufficient to determine the role of this variant in disease. Therefore, it has been classified as a Variant of Uncertain Significance.

Ambry Genetics
Classification: Likely benign for Hereditary cancer-predisposing syndrome. Last evaluated: 2025-01-10. Review status: criteria provided, single submitter. Criteria: Ambry Variant Classification Scheme 2023. Collection method: clinical testing. Allele origin: germline.